The following is an entry in ClinVar:

NM_004006.3(DMD):c.3452C>A (p.Ala1151Asp)

Gene: DMD (dystrophin; minus strand). Cytogenetic location: Xp21.1.
Variant type: single nucleotide variant.
Coding change: c.3452C>A on transcript NM_004006.3 (MANE Select); coding-DNA position 3452, C replaced by A.
Protein change: p.Ala1151Asp; replaces alanine 1151 with aspartic acid.
Molecular consequence: missense variant.
Genome position (GRCh38, 1-based): chrX:32,454,813, G>T on the plus strand (C>A on the coding strand, the complement: DMD is on the minus strand). VCF-style: chrX-32454813-G-T. GRCh37 (hg19) VCF-style: chrX-32472930-G-T.
Other names: c.3428C>A, p.Ala1143Asp (NM_000109.4); c.3440C>A, p.Ala1147Asp (NM_004009.3); c.3083C>A, p.Ala1028Asp (NM_004010.3); short protein forms A1028D, A1143D, A1147D, A1151D.
Identifiers: ClinVar variation 2878161 (VCV002878161.3), dbSNP rs2524370093, ClinGen allele CA412663367.

ClinVar aggregate classification (germline): Uncertain significance (1 of 4 stars; one submission).

Conditions:
Duchenne muscular dystrophy (DMD). Also called: MUSCULAR DYSTROPHY, PSEUDOHYPERTROPHIC PROGRESSIVE, DUCHENNE TYPE; Duchenne Muscular Dystrophy (DMD). Identifiers: Orphanet 98896, MedGen C0013264, MONDO:0010679, OMIM 310200.

Allele frequency attached by ClinVar (database versions not stated): gnomAD exomes below 0.00001.
gnomAD v4.1: 1 of 1,206,222 alleles (0.000083%); no homozygotes.

Submission:

Labcorp Genetics (formerly Invitae), Labcorp
Classification: Uncertain significance for Duchenne muscular dystrophy. Last evaluated: 2023-12-11. Review status: criteria provided, single submitter. Criteria: Invitae Variant Classification Sherloc (09022015). Collection method: clinical testing. Allele origin: germline.
Comment: This sequence change replaces alanine, which is neutral and non-polar, with aspartic acid, which is acidic and polar, at codon 1151 of the DMD protein (p.Ala1151Asp). This variant is not present in population databases (gnomAD no frequency). This variant has not been reported in the literature in individuals affected with DMD-related conditions. Advanced modeling of protein sequence and biophysical properties (such as structural, functional, and spatial information, amino acid conservation, physicochemical variation, residue mobility, and thermodynamic stability) performed at Invitae indicates that this missense variant is not expected to disrupt DMD protein function with a negative predictive value of 95%. In summary, the available evidence is currently insufficient to determine the role of this variant in disease. Therefore, it has been classified as a Variant of Uncertain Significance.